The following is an entry in ClinVar:

NM_000264.5(PTCH1):c.3397A>C (p.Thr1133Pro)

Gene: PTCH1 (patched 1; minus strand). Cytogenetic location: 9q22.32.
Variant type: single nucleotide variant.
Coding change: c.3397A>C on transcript NM_000264.5 (MANE Select); coding-DNA position 3397, A replaced by C.
Protein change: p.Thr1133Pro; replaces threonine 1133 with proline.
Molecular consequence: missense variant. On other transcripts: non-coding transcript variant (1).
Genome position (GRCh38, 1-based): chr9:95,453,530, T>G on the plus strand (A>C on the coding strand, the complement: PTCH1 is on the minus strand). VCF-style: chr9-95453530-T-G. GRCh37 (hg19) VCF-style: chr9-98215812-T-G.
Other names: c.3394A>C, p.Thr1132Pro (NM_001083603.3); c.2944A>C, p.Thr982Pro (NM_001083604.3, NM_001083605.3, NM_001083606.3 and 1 more transcripts); c.3241A>C, p.Thr1081Pro (NM_001354918.2); c.3199A>C, p.Thr1067Pro (NM_001083602.3); short protein forms T1081P, T1067P, T1133P, T982P, T1132P.
Identifiers: ClinVar variation 2846490 (VCV002846490.3), dbSNP rs1131690996, ClinGen allele CA374111754.
Genomic context (GRCh38, chr9:95,453,530, plus strand): 5'-CTGCTTACCTGACAATGAAGTCGAACTCAGATCCCGCCAGCATCAGCACTCCCAGCAGAG[T>G]GGACACGGCGCCATCCAGGACGGGTGCAAACATGTGCTCCAGGGCAAGCACAGCCCTGCG-3'
Protein context (NP_000255.2, residues 1123-1143): FAPVLDGAVS[Thr1133Pro]LLGVLMLAGS

ClinVar aggregate classification (germline): Uncertain significance (1 of 4 stars; one submission).

Conditions:
Gorlin syndrome. Also called: Nevoid Basal Cell Carcinoma Syndrome; Basal cell nevus syndrome. Identifiers: Orphanet 377, MedGen C0004779, MONDO:0007187.

Submission:

Labcorp Genetics (formerly Invitae), Labcorp
Classification: Uncertain significance for Gorlin syndrome. Last evaluated: 2025-12-01. Review status: criteria provided, single submitter. Criteria: Invitae Variant Classification Sherloc (09022015). Collection method: clinical testing. Allele origin: germline.
Comment: This sequence change replaces threonine, which is neutral and polar, with proline, which is neutral and non-polar, at codon 1133 of the PTCH1 protein (p.Thr1133Pro). This variant is not present in population databases (gnomAD no frequency). This missense change has been observed in individual(s) with clinical features of basal cell nevus syndrome (internal data). ClinVar contains an entry for this variant (Variation ID: 2846490). Invitae Evidence Modeling of protein sequence and biophysical properties (such as structural, functional, and spatial information, amino acid conservation, physicochemical variation, residue mobility, and thermodynamic stability) has been performed for this missense variant. However, the output from this modeling did not meet the statistical confidence thresholds required to predict the impact of this variant on PTCH1 protein function. This variant disrupts the p.Thr1133 amino acid residue in PTCH1. Other variant(s) that disrupt this residue have been determined to be pathogenic (PMID: 18436435; internal data). This suggests that this residue is clinically significant, and that variants that disrupt this residue are likely to be disease-causing. In summary, the available evidence is currently insufficient to determine the role of this variant in disease. Therefore, it has been classified as a Variant of Uncertain Significance.

Literature cited by the submitters: PubMed 18436435.